The following is an entry in ClinVar:

NM_001145250.2(SP9):c.1133A>G (p.Glu378Gly)

Gene: SP9 (Sp9 transcription factor; plus strand). Cytogenetic location: 2q31.1.
Variant type: single nucleotide variant.
Coding change: c.1133A>G on transcript NM_001145250.2 (MANE Select); coding-DNA position 1133, A replaced by G.
Protein change: p.Glu378Gly; replaces glutamic acid 378 with glycine.
Molecular consequence: missense variant.
Genome position (GRCh38, 1-based): chr2:174,337,218, A>G. VCF-style: chr2-174337218-A-G. GRCh37 (hg19) VCF-style: chr2-175201946-A-G.
Other names: short protein forms E378G.
Identifiers: ClinVar variation 1297467 (VCV001297467.3), dbSNP rs2105510219, ClinGen allele CA349326958.

ClinVar aggregate classification (germline): Pathogenic. Review status: criteria provided, single submitter (1 of 4 stars). 2 submissions from 2 submitters: Pathogenic (1). 1 of the submissions does not count toward it. Last evaluated 2024-01-16.

Conditions:
SP9-associated disorder.
Intellectual disability. Also called: intellectual disabilities; Intellectual functioning disability; Intellectual developmental disorder. Identifiers: MedGen C3714756, MeSH D008607, MONDO:0001071, HP:0001249.
Hypotonia. Also called: Muscular hypotonia; poor muscle tone. Identifiers: MedGen C0026827, HP:0001252.
Epileptic encephalopathy. Identifiers: MedGen C0543888, HP:0200134.
EEG abnormality. Also called: EEG abnormalities; Electroencephalogram (EEG) abnormalities. Identifiers: MedGen C0151611, HP:0002353.

Submissions (2):

Institute of Human Genetics, University of Leipzig Medical Center
Classification: Pathogenic for SP9-associated disorder. Last evaluated: 2024-01-16. Review status: criteria provided, single submitter. Criteria: ACMG Guidelines, 2015. Collection method: clinical testing. Allele origin: de novo. Inheritance: Autosomal dominant inheritance. Affected: yes.
Comment: Criteria applied: PS2,PS3,PM1,PM5,PM2_SUP

Genetics Department, University Hospital of Angers
Classification: Likely pathogenic for Epileptic encephalopathy; Intellectual disability; Hypotonia; EEG abnormality. Review status: no assertion criteria provided. Collection method: clinical testing. Allele origin: de novo. Affected: yes. Not counted in ClinVar's aggregate classification.

Literature cited by the submitters: PubMed 38288683 (cited by Institute of Human Genetics, University of Leipzig Medical Center).